The following is an entry in ClinVar:

ClinVar aggregate classification (germline): Benign/Likely benign. Review status: criteria provided, multiple submitters, no conflicts (2 of 4 stars). 6 submissions from 6 submitters: Benign (1); Likely benign (5). Last evaluated 2026-02-02.

Conditions:
Hypogonadotropic hypogonadism 5 with or without anosmia (KAL5). Also called: CHD7-Related GnRH Deficiency (Kallmann Syndrome 5); HYPOGONADOTROPIC HYPOGONADISM 5 WITH ANOSMIA; HYPOGONADOTROPHIC HYPOGONADISM 5 WITHOUT ANOSMIA. Identifiers: Orphanet 478, MedGen C3552553, MONDO:0012880, OMIM 612370. Disease mechanism: loss of function.
CHARGE syndrome (CHARGE). Also called: Hittner Hirsch Kreh syndrome; Coloboma, heart anomaly, choanal atresia, retardation, genital and ear anomalies; CHARGE association; Hall-Hittner syndrome; CHARGE ASSOCIATION--COLOBOMA, HEART ANOMALY, CHOANAL ATRESIA, RETARDATION, GENITAL AND EAR ANOMALIES. Identifiers: Orphanet 138, MedGen C0265354, MONDO:0008965.

Allele frequency attached by ClinVar (database versions not stated): 1000 Genomes Project 30x 0.00031; 1000 Genomes Project 0.00040; TOPMed 0.00052; gnomAD 0.00053 and 0.00055; ESP Exome Variant Server 0.00057; ExAC 0.00076.
gnomAD v4.1: 849 of 1,605,148 alleles (0.053%); highest among the groups gnomAD compares: African/African-American, 0.027%; 3 homozygotes.

Submissions (6):

Labcorp Genetics (formerly Invitae), Labcorp
Classification: Benign for CHARGE syndrome. Last evaluated: 2026-02-02. Review status: criteria provided, single submitter. Criteria: Invitae Variant Classification Sherloc (09022015). Collection method: clinical testing. Allele origin: germline.

CeGaT Center for Human Genetics Tuebingen
Classification: Likely benign. Last evaluated: 2026-01-01. Review status: criteria provided, single submitter. Criteria: CeGaT Center For Human Genetics Tuebingen Variant Classification Criteria Version 2. Collection method: clinical testing. Allele origin: germline. Affected: yes. Observed: 4 variant alleles.
Comment: CHD7: BP4, BS1

Laboratory of Genetics, Children's Clinical University Hospital Latvia
Classification: Likely benign. Last evaluated: 2025-02-16. Review status: criteria provided, single submitter. Criteria: ACMG Guidelines, 2015. Collection method: clinical testing. Allele origin: germline. Affected: yes.

Blueprint Genetics
Classification: Likely benign. Last evaluated: 2024-11-25. Review status: criteria provided, single submitter. Criteria: ACMG Guidelines, 2015. Collection method: clinical testing. Allele origin: germline.

Illumina Laboratory Services, Illumina
Classification: Likely benign for Kallmann Syndrome 5. Last evaluated: 2018-01-12. Review status: criteria provided, single submitter. Criteria: ICSL Variant Classification Criteria 13 December 2019. Collection method: clinical testing. Allele origin: germline.
Comment: This variant was observed in the ICSL laboratory as part of a predisposition screen in an ostensibly healthy population. It had not been previously curated by ICSL or reported in the Human Gene Mutation Database (HGMD: prior to June 1st, 2018), and was therefore a candidate for classification through an automated scoring system. Utilizing variant allele frequency, disease prevalence and penetrance estimates, and inheritance mode, an automated score was calculated to assess if this variant is too frequent to cause the disease. Based on the score and internal cut-off values, a variant classified as likely benign is not then subjected to further curation. The score for this variant resulted in a classification of likely benign for this disease.

Eurofins Ntd Llc (ga)
Classification: Likely benign. Last evaluated: 2016-05-10. Review status: criteria provided, single submitter. Criteria: EGL Classification Definitions 2015. Collection method: clinical testing. Allele origin: germline. Observed: 2 variant alleles, 2 heterozygotes.

NM_017780.4(CHD7):c.5300+8C>T

Gene: CHD7 (chromodomain helicase DNA binding protein 7; plus strand). Cytogenetic location: 8q12.2.
Variant type: single nucleotide variant.
Coding change: c.5300+8C>T on transcript NM_017780.4 (MANE Select); 8 bases into the intron after coding-DNA position 5300, C replaced by T.
Molecular consequence: intron variant.
Genome position (GRCh38, 1-based): chr8:60,848,612, C>T. VCF-style: chr8-60848612-C-T. GRCh37 (hg19) VCF-style: chr8-61761171-C-T.
Other names: c.1717-13617C>T (NM_001316690.1).
Identifiers: ClinVar variation 287628 (VCV000287628.45), dbSNP rs151322460, ClinGen allele CA4760321.